The following is an entry in ClinVar:

ClinVar aggregate classification (germline): Uncertain significance (1 of 4 stars; one submission).

Conditions:
Hereditary cancer-predisposing syndrome. Also called: Hereditary neoplastic syndrome; Neoplastic Syndromes, Hereditary; Tumor predisposition; Hereditary Cancer Syndrome. Identifiers: Orphanet 140162, MedGen C0027672, MeSH D009386, MONDO:0015356.

gnomAD v4.1: 2 of 1,614,034 alleles (0.00012%); highest among the groups gnomAD compares: Non-Finnish European, 0.00017%; no homozygotes.

Submission:

Ambry Genetics
Classification: Uncertain significance for Hereditary cancer-predisposing syndrome. Last evaluated: 2025-02-08. Review status: criteria provided, single submitter. Criteria: Ambry Variant Classification Scheme 2023. Collection method: clinical testing. Allele origin: germline.
Comment: The p.H483Y variant (also known as c.1447C>T), located in coding exon 6 of the BARD1 gene, results from a C to T substitution at nucleotide position 1447. The histidine at codon 483 is replaced by tyrosine, an amino acid with similar properties. This amino acid position is conserved. In addition, the in silico prediction for this alteration is inconclusive. Based on the available evidence, the clinical significance of this variant remains unclear.

NM_000465.4(BARD1):c.1447C>T (p.His483Tyr)

Gene: BARD1 (BRCA1 associated RING domain 1; minus strand). Cytogenetic location: 2q35.
Variant type: single nucleotide variant.
Coding change: c.1447C>T on transcript NM_000465.4 (MANE Select); coding-DNA position 1447, C replaced by T.
Protein change: p.His483Tyr; replaces histidine 483 with tyrosine.
Molecular consequence: missense variant. On other transcripts: non-coding transcript variant (3), intron variant (3).
Genome position (GRCh38, 1-based): chr2:214,767,603, G>A on the plus strand (C>T on the coding strand, the complement: BARD1 is on the minus strand). VCF-style: chr2-214767603-G-A. GRCh37 (hg19) VCF-style: chr2-215632327-G-A.
Other names: c.1390C>T, p.His464Tyr (NM_001282543.2); c.159-15048C>T (NM_001282548.2); c.216-15048C>T (NM_001282545.2); c.364+24694C>T (NM_001282549.2); short protein forms H483Y, H464Y.
Identifiers: ClinVar variation 3820612 (VCV003820612.1).